The following continues an entry in ClinVar:

NM_007294.4(BRCA1):c.131G>A (p.Cys44Tyr)

Gene: BRCA1. ClinVar aggregate classification (germline): Pathogenic. Pathogenic (1). ClinVar aggregate classification (somatic clinical impact): Tier II - Potential.

Submissions 9 to 14 of 14:

Baylor Genetics
Classification: Pathogenic for Breast-ovarian cancer, familial, susceptibility to, 1. Last evaluated: 2023-07-20. Review status: criteria provided, single submitter. Criteria: ACMG Guidelines, 2015. Collection method: clinical testing. Allele origin: unknown. Not counted in ClinVar's aggregate classification.

Consortium of Investigators of Modifiers of BRCA1/2 (CIMBA), c/o University of Cambridge
Classification: Pathogenic for Breast-ovarian cancer, familial, susceptibility to, 1. Last evaluated: 2015-10-02. Review status: criteria provided, single submitter. Criteria: CIMBA Mutation Classification guidelines May 2016. Collection method: clinical testing. Allele origin: germline. Not counted in ClinVar's aggregate classification.

Counsyl
Classification: Pathogenic for Breast-ovarian cancer, familial, susceptibility to, 1. Last evaluated: 2016-09-21. Review status: no assertion criteria provided. Collection method: clinical testing. Allele origin: unknown. Not counted in ClinVar's aggregate classification.

Sharing Clinical Reports Project (SCRP)
Classification: Pathogenic for Breast-ovarian cancer, familial 1. Last evaluated: 2008-07-24. Review status: no assertion criteria provided. Collection method: clinical testing. Allele origin: germline. Not counted in ClinVar's aggregate classification.

Breast Cancer Information Core (BIC) (BRCA1)
Classification: Uncertain significance for Breast-ovarian cancer, familial 1. Last evaluated: 2003-12-23. Review status: no assertion criteria provided. Collection method: clinical testing. Allele origin: germline. Affected: yes. Observed: 1 variant allele. Not counted in ClinVar's aggregate classification.

Brotman Baty Institute, University of Washington
No classification provided (evidence only). Condition: Breast-ovarian cancer, familial 1. Review status: no classification provided. Collection method: in vitro. Allele origin: not applicable. Functional consequence: functionally_abnormal. Not counted in ClinVar's aggregate classification.
ClinVar note: "not provided" was previously submitted as the classification for the variant. However, the classification appeared to be based only on an observation of functional data so it was converted to no classification on 2025-07-30.

Literature cited by the submitters: PubMed 21990134 (cited by 5 submitters); PubMed 19543972 (cited by 4 submitters); PubMed 27083775 (cited by 3 submitters); PubMed 30209399 (cited by 5 submitters); PubMed 21922593 (cited by 4 submitters); PubMed 27272900 (cited by 3 submitters); PubMed 16267036 (cited by Women's Health and Genetics/Laboratory Corporation of America, LabCorp); PubMed 32546644 (cited by Center for Genomic Medicine, Rigshospitalet, Copenhagen University Hospital and Institute for Genomic Medicine (IGM) Clinical Laboratory, Nationwide Children's Hospital); PubMed 15385441 (cited by Quest Diagnostics Nichols Institute San Juan Capistrano); PubMed 24489791 (cited by 3 submitters); PubMed 25823446 (cited by 3 submitters); PubMed 28724667 (cited by Quest Diagnostics Nichols Institute San Juan Capistrano and Ambry Genetics); PubMed 29446198 (cited by Quest Diagnostics Nichols Institute San Juan Capistrano); PubMed 31825140 (cited by Quest Diagnostics Nichols Institute San Juan Capistrano); PubMed 36367610 (cited by Quest Diagnostics Nichols Institute San Juan Capistrano); PubMed 37310942 (cited by Quest Diagnostics Nichols Institute San Juan Capistrano); PubMed 30371878 (cited by Institute for Genomic Medicine (IGM) Clinical Laboratory, Nationwide Children's Hospital); PubMed 22588877 (cited by Institute for Genomic Medicine (IGM) Clinical Laboratory, Nationwide Children's Hospital).